The following is an entry in ClinVar:

ClinVar aggregate classification (germline): Pathogenic. Review status: criteria provided, single submitter (1 of 4 stars). 2 submissions from 2 submitters: Pathogenic (1). 1 of the submissions does not count toward it. Last evaluated 2025-03-21.

Conditions:
KBG syndrome (KBGS). Also called: ANKRD11-Related KBG Syndrome. Identifiers: Orphanet 2332, MedGen C0220687, MONDO:0007846, OMIM 148050.

Submissions (2):

GeneDx
Classification: Pathogenic. Last evaluated: 2025-03-21. Review status: criteria provided, single submitter. Criteria: GeneDx Variant Classification Process June 2021. Collection method: clinical testing. Allele origin: germline. Affected: yes.
Comment: Nonsense variant predicted to result in protein truncation or nonsense mediated decay in a gene for which loss of function is a known mechanism of disease; Not observed at significant frequency in large population cohorts (gnomAD); This variant is associated with the following publications: (PMID: 35861666)

Biochemical Molecular Genetic Laboratory, King Abdulaziz Medical City
Classification: Pathogenic for KBG syndrome. Last evaluated: 2020-11-12. Review status: no assertion criteria provided. Collection method: clinical testing. Allele origin: germline. Affected: yes. Not counted in ClinVar's aggregate classification.

NM_013275.6(ANKRD11):c.5437C>T (p.Gln1813Ter)

Gene: ANKRD11 (ankyrin repeat domain 11; minus strand). Cytogenetic location: 16q24.3.
Variant type: single nucleotide variant.
Coding change: c.5437C>T on transcript NM_013275.6 (MANE Select); coding-DNA position 5437, C replaced by T.
Protein change: p.Gln1813Ter; replaces glutamine 1813 with a stop codon.
Molecular consequence: nonsense.
Genome position (GRCh38, 1-based): chr16:89,281,105, G>A on the plus strand (C>T on the coding strand, the complement: ANKRD11 is on the minus strand). VCF-style: chr16-89281105-G-A. GRCh37 (hg19) VCF-style: chr16-89347513-G-A.
Other names: c.5437C>T, p.Gln1813Ter (NM_001256182.2, NM_001256183.2); c.5437C>T (NM_013275.5); short protein forms Q1813*.
Identifiers: ClinVar variation 992980 (VCV000992980.2), dbSNP rs2034195603, ClinGen allele CA397154223.
Genomic context (GRCh38, chr16:89,281,105, plus strand): 5'-CCCTGTCTTCCATCGAGGGTGGCATGGGAGAGTCGTAGCTGGAGGCAGCAGGAACGCTCT[G>A]CTGCCTGAAGAGCTTGTCTCCGACGCTGAATTCTTCCTCGGGGGTCCTCCTAATGTCGAC-3'